The following is an entry in ClinVar:

NM_005263.5(GFI1):c.948C>A (p.Ile316=)

Gene: GFI1 (growth factor independent 1 transcriptional repressor; minus strand). Cytogenetic location: 1p22.1.
Variant type: single nucleotide variant.
Coding change: c.948C>A on transcript NM_005263.5 (MANE Select); coding-DNA position 948, C replaced by A.
Protein change: p.Ile316=; no amino-acid change (isoleucine 316 retained).
Molecular consequence: synonymous variant.
Genome position (GRCh38, 1-based): chr1:92,478,730, G>T on the plus strand (C>A on the coding strand, the complement: GFI1 is on the minus strand). VCF-style: chr1-92478730-G-T. GRCh37 (hg19) VCF-style: chr1-92944287-G-T.
Other names: c.948C>A, p.Ile316= (NM_001127215.3, NM_001127216.3); c.948C>A (NM_005263.3).
Identifiers: ClinVar variation 1139979 (VCV001139979.12), dbSNP rs372553729, ClinGen allele CA951263.

ClinVar aggregate classification (germline): Likely benign. Review status: criteria provided, multiple submitters, no conflicts (2 of 4 stars). 3 submissions from 3 submitters: Likely benign (2). 1 of the submissions does not count toward it. Last evaluated 2025-12-08.

Conditions:
Neutropenia, severe congenital, 2, autosomal dominant. Identifiers: Orphanet 486, MedGen C2751288, MONDO:0013139, OMIM 613107.
GFI1-related disorder. Also called: GFI1-related condition.

Allele frequency attached by ClinVar (database versions not stated): gnomAD 0.00001 and 0.00004; gnomAD exomes 0.00001 and 0.00004; TOPMed 0.00001; ExAC 0.00004; 1000 Genomes Project 0.00040; 1000 Genomes Project 30x 0.00047.
gnomAD v4.1: 31 of 1,583,422 alleles (0.002%); highest among the groups gnomAD compares: East Asian, 0.011%; no homozygotes.

Submissions (3):

Labcorp Genetics (formerly Invitae), Labcorp
Classification: Likely benign for Neutropenia, severe congenital, 2, autosomal dominant. Last evaluated: 2025-12-08. Review status: criteria provided, single submitter. Criteria: Invitae Variant Classification Sherloc (09022015). Collection method: clinical testing. Allele origin: germline.

Ambry Genetics
Classification: Likely benign. Last evaluated: 2024-11-21. Review status: criteria provided, single submitter. Criteria: Ambry Variant Classification Scheme 2023. Collection method: clinical testing. Allele origin: germline.

PreventionGenetics, part of Exact Sciences
Classification: Likely benign for GFI1-related condition. Last evaluated: 2019-06-18. Review status: no assertion criteria provided. Collection method: clinical testing. Allele origin: germline. Not counted in ClinVar's aggregate classification.
Comment: This variant is classified as likely benign based on ACMG/AMP sequence variant interpretation guidelines (Richards et al. 2015 PMID: 25741868, with internal and published modifications).